The following is an entry in ClinVar:

ClinVar aggregate classification (germline): Uncertain significance (1 of 4 stars; one submission).

Conditions:
Cardiovascular phenotype. Identifiers: MedGen CN230736.

Allele frequency attached by ClinVar (database versions not stated): gnomAD exomes below 0.00001; TOPMed below 0.00001; gnomAD 0.00001.
gnomAD v4.1: 3 of 1,613,630 alleles (0.00019%); highest among the groups gnomAD compares: African/African-American, 0.0013%; no homozygotes.

Submission:

Ambry Genetics
Classification: Uncertain significance for Cardiovascular phenotype. Last evaluated: 2021-09-14. Review status: criteria provided, single submitter. Criteria: Ambry Variant Classification Scheme 2023. Collection method: clinical testing. Allele origin: germline.
Comment: The c.5058+4G>A intronic variant results from a G to A substitution 4 nucleotides after coding exon 19 in the AKAP9 gene. This nucleotide position is well conserved in available vertebrate species. In silico splice site analysis predicts that this alteration will not have any significant effect on splicing. Since supporting evidence is limited at this time, the clinical significance of this alteration remains unclear.

NM_005751.5(AKAP9):c.5058+4G>A

Genes: AKAP9 (A-kinase anchoring protein 9; plus strand), LOC121175350 (Sharpr-MPRA regulatory region 2641; plus strand). Cytogenetic location: 7q21.2.
Variant type: single nucleotide variant.
Coding change: c.5058+4G>A on transcript NM_005751.5 (MANE Select); 4 bases into the intron after coding-DNA position 5058, G replaced by A.
Molecular consequence: intron variant.
Genome position (GRCh38, 1-based): chr7:92,042,190, G>A. VCF-style: chr7-92042190-G-A. GRCh37 (hg19) VCF-style: chr7-91671504-G-A.
Other names: c.5058+4G>A (NM_147185.3).
Identifiers: ClinVar variation 1745069 (VCV001745069.2), dbSNP rs928235051, ClinGen allele CA161897792.